The following is an entry in ClinVar:

ClinVar aggregate classification (germline): Uncertain significance (1 of 4 stars; one submission).

Submission:

Ambry Genetics
Classification: Uncertain significance. Last evaluated: 2022-04-26. Review status: criteria provided, single submitter. Criteria: Ambry Variant Classification Scheme 2023. Collection method: clinical testing. Allele origin: germline.
Comment: The p.S1861R variant (also known as c.5583T>G), located in coding exon 16 of the POLQ gene, results from a T to G substitution at nucleotide position 5583. The serine at codon 1861 is replaced by arginine, an amino acid with dissimilar properties. This amino acid position is conserved. In addition, this alteration is predicted to be tolerated by in silico analysis. Since supporting evidence is limited at this time, the clinical significance of this alteration remains unclear.

NM_199420.4(POLQ):c.5583T>G (p.Ser1861Arg)

Gene: POLQ (DNA polymerase theta; minus strand). Cytogenetic location: 3q13.33.
Variant type: single nucleotide variant.
Coding change: c.5583T>G on transcript NM_199420.4 (MANE Select); coding-DNA position 5583, T replaced by G.
Protein change: p.Ser1861Arg; replaces serine 1861 with arginine.
Molecular consequence: missense variant.
Genome position (GRCh38, 1-based): chr3:121,487,348, A>C on the plus strand (T>G on the coding strand, the complement: POLQ is on the minus strand). VCF-style: chr3-121487348-A-C. GRCh37 (hg19) VCF-style: chr3-121206195-A-C.
Other names: short protein forms S1861R.
Identifiers: ClinVar variation 1748438 (VCV001748438.2), dbSNP rs2546784573, ClinGen allele CA354089858.